The following is an entry in ClinVar:

ClinVar aggregate classification (germline): Uncertain significance (1 of 4 stars; one submission).

Submission:

GeneDx
Classification: Uncertain significance. Last evaluated: 2022-03-07. Review status: criteria provided, single submitter. Criteria: GeneDx Variant Classification Process June 2021. Collection method: clinical testing. Allele origin: germline. Affected: yes.
Comment: Not observed at significant frequency in large population cohorts (gnomAD); Nonsense variant predicted to result in protein truncation or nonsense mediated decay in a gene for which loss-of-function is not a known mechanism of disease; Has not been previously published as pathogenic or benign to our knowledge

NM_005647.4(TBL1X):c.1068G>A (p.Trp356Ter)

Gene: TBL1X (transducin beta like 1 X-linked; plus strand). Cytogenetic location: Xp22.2.
Variant type: single nucleotide variant.
Coding change: c.1068G>A on transcript NM_005647.4 (MANE Select); coding-DNA position 1068, G replaced by A.
Protein change: p.Trp356Ter; replaces tryptophan 356 with a stop codon.
Molecular consequence: nonsense.
Genome position (GRCh38, 1-based): chrX:9,697,383, G>A. VCF-style: chrX-9697383-G-A. GRCh37 (hg19) VCF-style: chrX-9665423-G-A.
Other names: c.1068G>A, p.Trp356Ter (NM_001139466.1); c.915G>A, p.Trp305Ter (NM_001139467.1, NM_001139468.1); short protein forms W305*, W356*.
Identifiers: ClinVar variation 1704673 (VCV001704673.2), dbSNP rs2518586843, ClinGen allele CA412001381.